The following is an entry in ClinVar:

ClinVar aggregate classification (germline): Uncertain significance (1 of 4 stars; one submission).

Allele frequency attached by ClinVar (database versions not stated): ExAC 0.00001; gnomAD 0.00001; gnomAD exomes 0.00001; ESP Exome Variant Server 0.00008.
gnomAD v4.1: 15 of 1,613,860 alleles (0.00093%); highest among the groups gnomAD compares: Non-Finnish European, 0.0013%; no homozygotes.

Submission:

Labcorp Genetics (formerly Invitae), Labcorp
Classification: Uncertain significance. Last evaluated: 2022-06-22. Review status: criteria provided, single submitter. Criteria: Invitae Variant Classification Sherloc (09022015). Collection method: clinical testing. Allele origin: germline.
Comment: This variant is present in population databases (rs375067325, gnomAD 0.0009%). In summary, the available evidence is currently insufficient to determine the role of this variant in disease. Therefore, it has been classified as a Variant of Uncertain Significance. Algorithms developed to predict the effect of missense changes on protein structure and function output the following: SIFT: "Tolerated"; PolyPhen-2: "Benign"; Align-GVGD: "Class C0". The valine amino acid residue is found in multiple mammalian species, which suggests that this missense change does not adversely affect protein function. This variant has not been reported in the literature in individuals affected with FAT1-related conditions. This sequence change replaces isoleucine, which is neutral and non-polar, with valine, which is neutral and non-polar, at codon 119 of the FAT1 protein (p.Ile119Val).

NM_005245.4(FAT1):c.355A>G (p.Ile119Val)

Gene: FAT1 (FAT atypical cadherin 1; minus strand). Cytogenetic location: 4q35.2.
Variant type: single nucleotide variant.
Coding change: c.355A>G on transcript NM_005245.4 (MANE Select); coding-DNA position 355, A replaced by G.
Protein change: p.Ile119Val; replaces isoleucine 119 with valine.
Molecular consequence: missense variant.
Genome position (GRCh38, 1-based): chr4:186,709,473, T>C on the plus strand (A>G on the coding strand, the complement: FAT1 is on the minus strand). VCF-style: chr4-186709473-T-C. GRCh37 (hg19) VCF-style: chr4-187630627-T-C.
Other names: short protein forms I119V.
Identifiers: ClinVar variation 1913683 (VCV001913683.3), dbSNP rs375067325, ClinGen allele CA3167682.